The following is an entry in ClinVar:

ClinVar aggregate classification (germline): Pathogenic (1 of 4 stars; one submission).

Submission:

Labcorp Genetics (formerly Invitae), Labcorp
Classification: Pathogenic. Last evaluated: 2024-05-09. Review status: criteria provided, single submitter. Criteria: Invitae Variant Classification Sherloc (09022015). Collection method: clinical testing. Allele origin: germline.
Comment: This sequence change creates a premature translational stop signal (p.Val83Serfs*76) in the KIAA1109 gene. It is expected to result in an absent or disrupted protein product. Loss-of-function variants in KIAA1109 are known to be pathogenic (PMID: 29290337). This variant is not present in population databases (gnomAD no frequency). This variant has not been reported in the literature in individuals affected with KIAA1109-related conditions. ClinVar contains an entry for this variant (Variation ID: 2134895). For these reasons, this variant has been classified as Pathogenic.

Literature cited by the submitters: PubMed 29290337.

NM_001384125.1(BLTP1):c.247del (p.Val83fs)

Gene: BLTP1 (bridge-like lipid transfer protein family member 1; plus strand). Cytogenetic location: 4q27.
Variant type: Deletion.
Coding change: c.247del on transcript NM_001384125.1 (MANE Select); coding-DNA position 247, one base deleted (G; older notation c.247delG).
Protein change: p.Val83fs; shifts the reading frame from valine 83.
Molecular consequence: frameshift variant.
Genome position (GRCh38, 1-based): chr4:122,174,606, G deleted. VCF-style (leftmost placement, unchanged base first): chr4-122174605-AG-A. GRCh37 (hg19) VCF-style: chr4-123095760-AG-A.
Other names: c.247del, p.Val83fs (NM_015312.4); short protein forms V83fs.
Identifiers: ClinVar variation 2134895 (VCV002134895.4), dbSNP rs2479176989, ClinGen allele CA2580071441.